The following is an entry in ClinVar:

NM_001036.6(RYR3):c.348C>T (p.Ser116=)

Gene: RYR3 (ryanodine receptor 3; plus strand). Cytogenetic location: 15q14.
Variant type: single nucleotide variant.
Coding change: c.348C>T on transcript NM_001036.6 (MANE Select); coding-DNA position 348, C replaced by T.
Protein change: p.Ser116=; no amino-acid change (serine 116 retained).
Molecular consequence: synonymous variant.
Genome position (GRCh38, 1-based): chr15:33,530,660, C>T. VCF-style: chr15-33530660-C-T. GRCh37 (hg19) VCF-style: chr15-33822861-C-T.
Other names: c.348C>T, p.Ser116= (NM_001243996.4).
Identifiers: ClinVar variation 461904 (VCV000461904.35), dbSNP rs374563732, ClinGen allele CA7457788.
Genomic context (GRCh38, chr15:33,530,660, plus strand): 5'-AGGAGGTGGCCACAGGACCCTGTTATACGGCCATGCAGTTCTCCTGAGGCACTCTTTCAG[C>T]GGAATGGTAAGCAGCTCTGGTGCCCACTTTCATCATTCAAGGAGAAGGAAAAACTGAAGA-3'
Protein context (NP_001027.3, residues 106-126): GHAVLLRHSF[Ser116=]GMYLTCLTTS

ClinVar aggregate classification (germline): Likely benign. Review status: criteria provided, multiple submitters, no conflicts (2 of 4 stars). 2 submissions from 2 submitters: Likely benign (2). Last evaluated 2022-07-01.

Conditions:
Epileptic encephalopathy. Identifiers: MedGen C0543888, HP:0200134.

Allele frequency attached by ClinVar (database versions not stated): ExAC 0.00001; gnomAD exomes 0.00002; TOPMed 0.00008; gnomAD 0.00009 and 0.00010; ESP Exome Variant Server 0.00016.
gnomAD v4.1: 44 of 1,612,028 alleles (0.0027%); highest among the groups gnomAD compares: African/African-American, 0.02%; no homozygotes.

Submissions (2):

CeGaT Center for Human Genetics Tuebingen
Classification: Likely benign. Last evaluated: 2022-07-01. Review status: criteria provided, single submitter. Criteria: CeGaT Center For Human Genetics Tuebingen Variant Classification Criteria Version 2. Collection method: clinical testing. Allele origin: germline. Affected: yes. Observed: 1 variant allele.
Comment: RYR3: BP4, BP7

Labcorp Genetics (formerly Invitae), Labcorp
Classification: Likely benign for Epileptic encephalopathy. Last evaluated: 2019-08-14. Review status: criteria provided, single submitter. Criteria: Invitae Variant Classification Sherloc (09022015). Collection method: clinical testing. Allele origin: germline.